The following is an entry in ClinVar:

NM_001256317.3(TMPRSS3):c.300C>T (p.Asp100=)

Gene: TMPRSS3 (transmembrane serine protease 3; minus strand). Cytogenetic location: 21q22.3.
Variant type: single nucleotide variant.
Coding change: c.300C>T on transcript NM_001256317.3 (MANE Select); coding-DNA position 300, C replaced by T.
Protein change: p.Asp100=; no amino-acid change (aspartic acid 100 retained).
Molecular consequence: synonymous variant. On other transcripts: 5 prime UTR variant (1).
Genome position (GRCh38, 1-based): chr21:42,388,951, G>A on the plus strand (C>T on the coding strand, the complement: TMPRSS3 is on the minus strand). VCF-style: chr21-42388951-G-A. GRCh37 (hg19) VCF-style: chr21-43809060-G-A.
Other names: c.300C>T, p.Asp100= (NM_024022.4, NM_032405.2); c.-82C>T (NM_032404.3).
Identifiers: ClinVar variation 46111 (VCV000046111.14), dbSNP rs146621712, ClinGen allele CA137704.
Genomic context (GRCh38, chr21:42,388,951, plus strand): 5'-TTCCTTCTGTTTCCCCAGGGGAAGAGCCATGACCTTACCACAGCGGTACTCGTCCTCCCC[G>A]TCTTTGCAATCCGAGACTCCGTCACATCGAGCTATCAGCTCGATACACTTAAAGGATGAG-3'
Protein context (NP_001243246.1, residues 90-110): ARCDGVSDCK[Asp100=]GEDEYRCVRV

ClinVar aggregate classification (germline): Likely benign. Review status: criteria provided, multiple submitters, no conflicts (2 of 4 stars). 5 submissions from 5 submitters: Likely benign (4). 1 of the submissions does not count toward it. Last evaluated 2026-01-22.

Conditions:
TMPRSS3-related disorder. Also called: TMPRSS3-related condition.

Allele frequency attached by ClinVar (database versions not stated): ExAC 0.00006; ESP Exome Variant Server 0.00008; gnomAD 0.00009; gnomAD exomes 0.00009 and 0.00012; TOPMed 0.00009; 1000 Genomes Project 30x 0.00016; 1000 Genomes Project 0.00020.
gnomAD v4.1: 198 of 1,614,138 alleles (0.012%); highest among the groups gnomAD compares: East Asian, 0.018%; no homozygotes.

Submissions (5):

Labcorp Genetics (formerly Invitae), Labcorp
Classification: Likely benign. Last evaluated: 2026-01-22. Review status: criteria provided, single submitter. Criteria: Invitae Variant Classification Sherloc (09022015). Collection method: clinical testing. Allele origin: germline.

Blueprint Genetics
Classification: Likely benign. Last evaluated: 2024-06-28. Review status: criteria provided, single submitter. Criteria: ACMG Guidelines, 2015. Collection method: clinical testing. Allele origin: germline.

GeneDx
Classification: Likely benign. Last evaluated: 2019-12-17. Review status: criteria provided, single submitter. Criteria: GeneDx Variant Classification Process June 2021. Collection method: clinical testing. Allele origin: germline. Affected: yes.

Laboratory for Molecular Medicine, Mass General Brigham Personalized Medicine
Classification: Likely benign. Last evaluated: 2012-04-30. Review status: criteria provided, single submitter. Criteria: LMM Criteria. Collection method: clinical testing. Allele origin: germline. Observed: 2 variant alleles.
Comment: Asp100Asp in Exon 04 of TMPRSS3: This variant is not expected to have clinical s ignificance because it does not alter an amino acid residue, is not located with in the splice consensus sequence, and has been identified in 1/7020 European Ame rican chromosomes from a broad population by the NHLBI Exome Sequencing Project (dbSNP rs146621712).

PreventionGenetics, part of Exact Sciences
Classification: Likely benign for TMPRSS3-related condition. Last evaluated: 2019-10-30. Review status: no assertion criteria provided. Collection method: clinical testing. Allele origin: germline. Not counted in ClinVar's aggregate classification.
Comment: This variant is classified as likely benign based on ACMG/AMP sequence variant interpretation guidelines (Richards et al. 2015 PMID: 25741868, with internal and published modifications).